The following is an entry in ClinVar:

ClinVar aggregate classification (germline): Pathogenic (1 of 4 stars; one submission).

Submission:

GeneDx
Classification: Pathogenic. Last evaluated: 2014-09-22. Review status: criteria provided, single submitter. Criteria: GeneDx Variant Classification (06012015). Collection method: clinical testing. Allele origin: germline. Affected: yes.
Comment: This variant is denoted c.734_735delinsCA, p.Val245Ala(V245A) on the protien level, the normal surrounding sequence with the deletions and insertion in brackets is: CCTG{delTG}{insCA}GCTG. The V245A missense mutation in the PAH gene has been reported as a pathogenic mutation in the PAH Consortium database. This mutation has previously been associated with hyperphenylalaninemia and residual phenylalanine hydroxylase activity in in vivo functional assays (Guldberg et al., 1994; Heintz et al., 2013). The variant is found in PAH panel(s).

NM_000277.3(PAH):c.734_735inv (p.Val245Ala)

Gene: PAH (phenylalanine hydroxylase; minus strand). Cytogenetic location: 12q23.2.
Variant type: Inversion.
Coding change: c.734_735inv on transcript NM_000277.3 (MANE Select).
Protein change: p.Val245Ala; replaces valine 245 with alanine.
Molecular consequence: missense variant.
Genome position: GRCh38 VCF-style: chr12-102852922-CA-TG. GRCh37 (hg19) VCF-style: chr12-103246700-CA-TG.
Other names: p.V245A:GTG>GCA; c.734_735inv, p.Val245Ala (NM_001354304.2); short protein forms V245A.
Identifiers: ClinVar variation 203874 (VCV000203874.1), ClinGen allele CA312809.
Genomic context (GRCh38, chr12:102,852,922, plus strand): 5'-GCAGTGGAAGACTCGGAAGGCCAGGCCACCCAAGAAATCCCGAGAGGAAAGCAGGCCAGC[CA>TG]CAGGTCGGAGGCGGAAACCAGTGCAAGCTGGGATGAAAAGAAGAAAGAAAACTCAAAGCT-3'
Protein context (NP_000268.1, residues 235-255): QTCTGFRLRP[Val245Ala]AGLLSSRDFL